The following is an entry in ClinVar:

ClinVar aggregate classification (germline): Uncertain significance (1 of 4 stars; one submission).

Conditions:
Primary ciliary dyskinesia 23 (CILD23). Also called: CILIARY DYSKINESIA, PRIMARY, 23, WITH OR WITHOUT SITUS INVERSUS. Identifiers: Orphanet 244, MedGen C3809548, MONDO:0014193, OMIM 615451.

gnomAD v4.1: 3 of 1,614,110 alleles (0.00019%); highest among the groups gnomAD compares: Non-Finnish European, 0.00025%; no homozygotes.

Submission:

Labcorp Genetics (formerly Invitae), Labcorp
Classification: Uncertain significance for Primary ciliary dyskinesia 23. Last evaluated: 2025-02-23. Review status: criteria provided, single submitter. Criteria: Invitae Variant Classification Sherloc (09022015). Collection method: clinical testing. Allele origin: germline.
Comment: This sequence change replaces glycine, which is neutral and non-polar, with arginine, which is basic and polar, at codon 633 of the ARMC4 protein (p.Gly633Arg). This variant is present in population databases (no rsID available, gnomAD 0.0009%). This variant has not been reported in the literature in individuals affected with ARMC4-related conditions. An algorithm developed to predict the effect of missense changes on protein structure and function (PolyPhen-2) suggests that this variant is likely to be disruptive. In summary, the available evidence is currently insufficient to determine the role of this variant in disease. Therefore, it has been classified as a Variant of Uncertain Significance.

NM_018076.5(ODAD2):c.1897G>C (p.Gly633Arg)

Gene: ODAD2 (outer dynein arm docking complex subunit 2; minus strand). Cytogenetic location: 10p12.1.
Variant type: single nucleotide variant.
Coding change: c.1897G>C on transcript NM_018076.5 (MANE Select); coding-DNA position 1897, G replaced by C.
Protein change: p.Gly633Arg; replaces glycine 633 with arginine.
Molecular consequence: missense variant.
Genome position (GRCh38, 1-based): chr10:27,940,652, C>G on the plus strand (G>C on the coding strand, the complement: ODAD2 is on the minus strand). VCF-style: chr10-27940652-C-G. GRCh37 (hg19) VCF-style: chr10-28229581-C-G.
Other names: c.1897G>C, p.Gly633Arg (NM_001290020.2); c.472G>C, p.Gly158Arg (NM_001290021.2); c.973G>C, p.Gly325Arg (NM_001312689.2); short protein forms G158R, G325R, G633R.
Identifiers: ClinVar variation 4738262 (VCV004738262.1).
Genomic context (GRCh38, chr10:27,940,652, plus strand): 5'-CCACTGGAATTAGCATGTTTTCATGAGAAGTCTTCAGCAGCCGAGCCAACAGAGGAATGC[C>G]CCCAGCTTTGCGGATGGCTTCTTTATTCGTATGACTCTTACTGCAGCTCCACAGGGCCAG-3'
Protein context (NP_060546.2, residues 623-643): TNKEAIRKAG[Gly633Arg]IPLLARLLKT